The following is an entry in ClinVar:

NM_001037.5(SCN1B):c.591-5C>T

Gene: SCN1B (sodium voltage-gated channel beta subunit 1; plus strand). Cytogenetic location: 19q13.11.
Variant type: single nucleotide variant.
Coding change: c.591-5C>T on transcript NM_001037.5 (MANE Select); 5 bases into the intron before coding-DNA position 591, C replaced by T.
Molecular consequence: intron variant.
Genome position (GRCh38, 1-based): chr19:35,039,630, C>T. VCF-style: chr19-35039630-C-T. GRCh37 (hg19) VCF-style: chr19-35530534-C-T.
Other names: c.492-5C>T (NM_001321605.2).
Identifiers: ClinVar variation 516628 (VCV000516628.9), dbSNP rs1555721514, ClinGen allele CA658799180.

ClinVar aggregate classification (germline): Likely benign. Review status: criteria provided, multiple submitters, no conflicts (2 of 4 stars). 3 submissions from 3 submitters: Likely benign (3). Last evaluated 2025-11-23.

Conditions:
Brugada syndrome 5 (BRGDA5). Identifiers: Orphanet 130, Orphanet 871, MedGen C2748541, MONDO:0013015, OMIM 612838.

Allele frequency attached by ClinVar (database versions not stated): gnomAD exomes below 0.00001; gnomAD 0.00003; TOPMed 0.00003.
gnomAD v4.1: 12 of 1,614,064 alleles (0.00074%); highest among the groups gnomAD compares: Admixed American, 0.012%; no homozygotes.

Submissions (3):

Labcorp Genetics (formerly Invitae), Labcorp
Classification: Likely benign for Brugada syndrome 5. Last evaluated: 2025-11-23. Review status: criteria provided, single submitter. Criteria: Invitae Variant Classification Sherloc (09022015). Collection method: clinical testing. Allele origin: germline.

Blueprint Genetics
Classification: Likely benign. Last evaluated: 2024-10-25. Review status: criteria provided, single submitter. Criteria: ACMG Guidelines, 2015. Collection method: clinical testing. Allele origin: germline.

GeneDx
Classification: Likely benign. Last evaluated: 2017-05-17. Review status: criteria provided, single submitter. Criteria: GeneDx Variant Classification (06012015). Collection method: clinical testing. Allele origin: germline. Affected: yes.
Comment: This variant is considered likely benign or benign based on one or more of the following criteria: it is a conservative change, it occurs at a poorly conserved position in the protein, it is predicted to be benign by multiple in silico algorithms, and/or has population frequency not consistent with disease.